The following is an entry in ClinVar:

ClinVar aggregate classification (germline): Conflicting classifications of pathogenicity. Review status: criteria provided, conflicting classifications (1 of 4 stars). 4 submissions from 4 submitters: Likely pathogenic (1); Uncertain significance (2). 1 of the submissions does not count toward it. Last evaluated 2026-01-06.

Conditions:
Spondylocarpotarsal synostosis syndrome (SCT). Also called: SPONDYLOCARPOTARSAL SYNDROME; VERTEBRAL FUSION WITH CARPAL COALITION; Synspondylism congenital; Scoliosis, congenital with unilateral unsegmented bar; Spondylocarpotarsal Synostosis Syndrome (FLNB-SCT). Identifiers: Orphanet 3275, MedGen C1848934, MONDO:0010094, OMIM 272460.
FLNB-related disorder. Also called: FLNB-related condition; FLNB-related disorders. Identifiers: MedGen CN381095.

Allele frequency attached by ClinVar (database versions not stated): ExAC 0.00001; gnomAD 0.00001; TOPMed 0.00003; gnomAD exomes below 0.00001.
gnomAD v4.1: 2 of 1,613,948 alleles (0.00012%); highest among the groups gnomAD compares: East Asian, 0.0045%; no homozygotes.

Submissions (4):

Labcorp Genetics (formerly Invitae), Labcorp
Classification: Uncertain significance. Last evaluated: 2026-01-06. Review status: criteria provided, single submitter. Criteria: Invitae Variant Classification Sherloc (09022015). Collection method: clinical testing. Allele origin: germline.
Comment: This sequence change replaces glycine, which is neutral and non-polar, with aspartic acid, which is acidic and polar, at codon 925 of the FLNB protein (p.Gly925Asp). This variant is present in population databases (rs775497173, gnomAD 0.02%). This missense change has been observed in individual(s) with clinical features of FLNB-related conditions (PMID: 38933926). ClinVar contains an entry for this variant (Variation ID: 3236714). Invitae Evidence Modeling of protein sequence and biophysical properties (such as structural, functional, and spatial information, amino acid conservation, physicochemical variation, residue mobility, and thermodynamic stability) has been performed for this missense variant. However, the output from this modeling did not meet the statistical confidence thresholds required to predict the impact of this variant on FLNB protein function. In summary, the available evidence is currently insufficient to determine the role of this variant in disease. Therefore, it has been classified as a Variant of Uncertain Significance.

PreventionGenetics, part of Exact Sciences
Classification: Uncertain significance for FLNB-related condition. Last evaluated: 2025-06-13. Review status: criteria provided, single submitter. Criteria: ACMG Guidelines, 2015. Collection method: clinical testing. Allele origin: germline.
Comment: The FLNB c.2774G>A variant is predicted to result in the amino acid substitution p.Gly925Asp. In the compound heterozygous condition, this variant has been reported in one individual with autosomal recessive spondylocarpotarsal synostosis syndrome (Fang et al. 2024. PubMed ID: 38933926). This variant is reported in 0.022% of alleles in individuals of East Asian descent in gnomAD. At this time, the clinical significance of this variant is uncertain due to the absence of conclusive functional and genetic evidence.

Juno Genomics, Hangzhou Juno Genomics, Inc
Classification: Likely pathogenic for Spondylocarpotarsal synostosis syndrome. Review status: criteria provided, single submitter. Criteria: ACMG Guidelines, 2015. Collection method: clinical testing. Allele origin: germline.
Comment: Absent from controls (or at extremely low frequency if recessive) in Genome Aggregation Database.;Multiple lines of computational evidence support a deleterious effect on the gene or gene product.;Missense variant in a gene that has a low rate of benign missense variation.;For recessive disorders, detected in trans with a pathogenic variant.

Department of Pediatrics, Taizhou Central Hospital, Taizhou University Hospital
Classification: Likely pathogenic for Spondylocarpotarsal synostosis syndrome. Last evaluated: 2024-02-01. Review status: no assertion criteria provided. Collection method: clinical testing. Allele origin: paternal. Affected: yes. Observed: 1 variant allele. Not counted in ClinVar's aggregate classification.

Literature cited by the submitters: PubMed 38933926 (cited by Labcorp Genetics (formerly Invitae), Labcorp).

NM_001457.4(FLNB):c.2774G>A (p.Gly925Asp)

Gene: FLNB (filamin B; plus strand). Cytogenetic location: 3p14.3.
Variant type: single nucleotide variant.
Coding change: c.2774G>A on transcript NM_001457.4 (MANE Select); coding-DNA position 2774, G replaced by A.
Protein change: p.Gly925Asp; replaces glycine 925 with aspartic acid.
Molecular consequence: missense variant.
Genome position (GRCh38, 1-based): chr3:58,118,900, G>A. VCF-style: chr3-58118900-G-A. GRCh37 (hg19) VCF-style: chr3-58104627-G-A.
Other names: c.2774G>A, p.Gly925Asp (NM_001164317.2, NM_001164318.2, NM_001164319.2); short protein forms G925D.
Identifiers: ClinVar variation 3236714 (VCV003236714.4), dbSNP rs775497173, ClinGen allele CA2468233.